The following is an entry in ClinVar:

NM_000138.5(FBN1):c.7091G>A (p.Cys2364Tyr)

Gene: FBN1 (fibrillin 1; minus strand). Cytogenetic location: 15q21.1.
Variant type: single nucleotide variant.
Coding change: c.7091G>A on transcript NM_000138.5 (MANE Select); coding-DNA position 7091, G replaced by A.
Protein change: p.Cys2364Tyr; replaces cysteine 2364 with tyrosine.
Molecular consequence: missense variant.
Genome position (GRCh38, 1-based): chr15:48,427,680, C>T on the plus strand (G>A on the coding strand, the complement: FBN1 is on the minus strand). VCF-style: chr15-48427680-C-T. GRCh37 (hg19) VCF-style: chr15-48719877-C-T.
Other names: short protein forms C2364Y.
Identifiers: ClinVar variation 636935 (VCV000636935.4), dbSNP rs1597517925, ClinGen allele CA392329894.
Genomic context (GRCh38, chr15:48,427,680, plus strand): 5'-ACAGTCCCCTGGAAAGGGCAGATCTCACAGTGGGGACCCCAGCCTCTCCCTCCGTCACAG[C>T]AGCATTCCGATTTGGTGACGGGGTTCCTGTTGCTGGAGCCGATCTGACACATGTTTTGTA-3'
Protein context (NP_000129.3, residues 2354-2374): NRNPVTKSEC[Cys2364Tyr]CDGGRGWGPH

ClinVar aggregate classification (germline): Conflicting classifications of pathogenicity. Review status: criteria provided, conflicting classifications (1 of 4 stars). 3 submissions from 3 submitters: Likely pathogenic (2); Uncertain significance (1). Last evaluated 2025-08-06.

Conditions:
Familial thoracic aortic aneurysm and aortic dissection (TAAD). Also called: Thoracic aortic aneurysms and dissections. Identifiers: Orphanet 91387, MedGen C4707243, MONDO:0019625.
Marfan syndrome (MFS). Also called: FBN1-Related Marfan Syndrome; Marfan syndrome type 1; Marfan's syndrome; Marfan syndrome, classic; MARFAN SYNDROME, TYPE I. Identifiers: Orphanet 284963, Orphanet 558, MedGen C0024796, MONDO:0007947, OMIM 154700.

Submissions (3):

Labcorp Genetics (formerly Invitae), Labcorp
Classification: Likely pathogenic for Marfan syndrome; Familial thoracic aortic aneurysm and aortic dissection. Last evaluated: 2025-08-06. Review status: criteria provided, single submitter. Criteria: Invitae Variant Classification Sherloc (09022015). Collection method: clinical testing. Allele origin: germline.
Comment: This sequence change replaces cysteine, which is neutral and slightly polar, with tyrosine, which is neutral and polar, at codon 2364 of the FBN1 protein (p.Cys2364Tyr). This variant is not present in population databases (gnomAD no frequency). This missense change has been observed in individual(s) with Marfan syndrome (internal data). ClinVar contains an entry for this variant (Variation ID: 636935). Invitae Evidence Modeling of protein sequence and biophysical properties (such as structural, functional, and spatial information, amino acid conservation, physicochemical variation, residue mobility, and thermodynamic stability) indicates that this missense variant is expected to disrupt FBN1 protein function with a positive predictive value of 95%. This variant affects a cysteine residue in the EGF-like, TGFBP or hybrid motif domains of FBN1. Cysteine residues are believed to be involved in intramolecular disulfide bridges and have been shown to be important for FBN1 protein structure (PMID: 16905551, 19349279). In addition, missense substitutions affecting cysteine residues within these domains are significantly overrepresented among patients with Marfan syndrome (PMID: 16571647, 17701892). In summary, the currently available evidence indicates that the variant is pathogenic, but additional data are needed to prove that conclusively. Therefore, this variant has been classified as Likely Pathogenic.

Clinical Genetics and Genomics, Karolinska University Hospital
Classification: Likely pathogenic for Marfan syndrome. Last evaluated: 2025-04-24. Review status: criteria provided, single submitter. Criteria: ACMG Guidelines, 2015. Collection method: clinical testing. Allele origin: germline. Inheritance: Autosomal dominant inheritance. Affected: yes.
Comment: FBN1-specific criteria: PM1_Strong, PM2, PP3

Blueprint Genetics
Classification: Uncertain significance. Last evaluated: 2021-01-25. Review status: criteria provided, single submitter. Criteria: ACMG Guidelines, 2015. Collection method: clinical testing. Allele origin: germline.

Literature cited by the submitters: PubMed 16905551 (cited by Labcorp Genetics (formerly Invitae), Labcorp); PubMed 19349279 (cited by Labcorp Genetics (formerly Invitae), Labcorp); PubMed 16571647 (cited by Labcorp Genetics (formerly Invitae), Labcorp); PubMed 17701892 (cited by Labcorp Genetics (formerly Invitae), Labcorp).